The following is an entry in ClinVar:

NM_006514.4(SCN10A):c.270+135T>A

Gene: SCN10A (sodium voltage-gated channel alpha subunit 10; minus strand). Cytogenetic location: 3p22.2.
Variant type: single nucleotide variant.
Coding change: c.270+135T>A on transcript NM_006514.4 (MANE Select); 135 bases into the intron after coding-DNA position 270, T replaced by A.
Molecular consequence: intron variant.
Genome position (GRCh38, 1-based): chr3:38,793,606, A>T on the plus strand (T>A on the coding strand, the complement: SCN10A is on the minus strand). VCF-style: chr3-38793606-A-T. GRCh37 (hg19) VCF-style: chr3-38835097-A-T.
Other names: c.270+135T>A (NM_001293307.2, NM_001293306.2).
Identifiers: ClinVar variation 672843 (VCV000672843.1), dbSNP rs72869618, ClinGen allele CA72963370.
Genomic context (GRCh38, chr3:38,793,606, plus strand): 5'-TATCATAAATGTCATAAAAATTCAAAGAGATCATCAAATAAGTTAGAGATATATATATAT[A>T]TTTTTTTTGGTTGTTAACGGAATCTTTAGCAGACTGCCACATCACCCAGGGCCAAGGAGG-3'

ClinVar aggregate classification (germline): Likely benign (1 of 4 stars; one submission).

Allele frequency attached by ClinVar (database versions not stated): 1000 Genomes Project 0.02117; gnomAD 0.03084 and 0.03099; TOPMed 0.03149; gnomAD exomes 0.03332.
gnomAD v4.1: 23,410 of 710,844 alleles (3.3%); highest among the groups gnomAD compares: Middle Eastern, 6.5%; 393 homozygotes.

Submission:

GeneDx
Classification: Likely benign. Last evaluated: 2018-06-16. Review status: criteria provided, single submitter. Criteria: GeneDx Variant Classification (06012015). Collection method: clinical testing. Allele origin: germline. Affected: yes.
Comment: This variant is considered likely benign or benign based on one or more of the following criteria: it is a conservative change, it occurs at a poorly conserved position in the protein, it is predicted to be benign by multiple in silico algorithms, and/or has population frequency not consistent with disease.